The following is an entry in ClinVar:

NM_000064.4(C3):c.3412G>A (p.Glu1138Lys)

Gene: C3 (complement C3; minus strand). Cytogenetic location: 19p13.3.
Variant type: single nucleotide variant.
Coding change: c.3412G>A on transcript NM_000064.4 (MANE Select); coding-DNA position 3412, G replaced by A.
Protein change: p.Glu1138Lys; replaces glutamic acid 1138 with lysine.
Molecular consequence: missense variant.
Genome position (GRCh38, 1-based): chr19:6,690,706, C>T on the plus strand (G>A on the coding strand, the complement: C3 is on the minus strand). VCF-style: chr19-6690706-C-T. GRCh37 (hg19) VCF-style: chr19-6690717-C-T.
Other names: short protein forms E1138K.
Identifiers: ClinVar variation 2801516 (VCV002801516.3), dbSNP rs781541367, ClinGen allele CA9128738.

ClinVar aggregate classification (germline): Uncertain significance (1 of 4 stars; one submission).

Allele frequency attached by ClinVar (database versions not stated): gnomAD exomes below 0.00001; ExAC 0.00001.
gnomAD v4.1: 4 of 1,614,192 alleles (0.00025%); highest among the groups gnomAD compares: East Asian, 0.0045%; no homozygotes.

Submission:

Labcorp Genetics (formerly Invitae), Labcorp
Classification: Uncertain significance. Last evaluated: 2023-12-26. Review status: criteria provided, single submitter. Criteria: Invitae Variant Classification Sherloc (09022015). Collection method: clinical testing. Allele origin: germline.
Comment: This sequence change replaces glutamic acid, which is acidic and polar, with lysine, which is basic and polar, at codon 1138 of the C3 protein (p.Glu1138Lys). This variant is present in population databases (rs781541367, gnomAD 0.01%). This variant has not been reported in the literature in individuals affected with C3-related conditions. Advanced modeling of protein sequence and biophysical properties (such as structural, functional, and spatial information, amino acid conservation, physicochemical variation, residue mobility, and thermodynamic stability) performed at Invitae indicates that this missense variant is expected to disrupt C3 protein function with a positive predictive value of 80%. In summary, the available evidence is currently insufficient to determine the role of this variant in disease. Therefore, it has been classified as a Variant of Uncertain Significance.